The following is an entry in ClinVar:

NM_024408.4(NOTCH2):c.874+4T>C

Gene: NOTCH2 (notch receptor 2; minus strand). Cytogenetic location: 1p12.
Variant type: single nucleotide variant.
Coding change: c.874+4T>C on transcript NM_024408.4 (MANE Select); 4 bases into the intron after coding-DNA position 874, T replaced by C.
Molecular consequence: intron variant.
Genome position (GRCh38, 1-based): chr1:119,986,956, A>G on the plus strand (T>C on the coding strand, the complement: NOTCH2 is on the minus strand). VCF-style: chr1-119986956-A-G. GRCh37 (hg19) VCF-style: chr1-120529579-A-G.
Other names: c.874+4T>C (NM_001200001.2).
Identifiers: ClinVar variation 3029848 (VCV003029848.5), dbSNP rs372355805, ClinGen allele CA1040659.

ClinVar aggregate classification (germline): Uncertain significance. Review status: criteria provided, multiple submitters, no conflicts (2 of 4 stars). 3 submissions from 3 submitters: Uncertain significance (2). 1 of the submissions does not count toward it. Last evaluated 2025-11-19.

Conditions:
Hajdu-Cheney syndrome (HJCYS). Also called: SERPENTINE FIBULA-POLYCYSTIC KIDNEY SYNDROME; Acroosteolysis dominant type; ACROOSTEOLYSIS WITH OSTEOPOROSIS AND CHANGES IN SKULL AND MANDIBLE. Identifiers: Orphanet 955, MedGen C0917715, MONDO:0007057, OMIM 102500.
NOTCH2-related disorder. Also called: NOTCH2-related condition.
Inborn genetic diseases. Identifiers: MedGen C0950123, MeSH D030342.

Allele frequency attached by ClinVar (database versions not stated): TOPMed below 0.00001; ExAC 0.00001; gnomAD exomes 0.00001; gnomAD 0.00003.
gnomAD v4.1: 27 of 1,613,420 alleles (0.0017%); highest among the groups gnomAD compares: South Asian, 0.019%; no homozygotes.

Submissions (3):

Labcorp Genetics (formerly Invitae), Labcorp
Classification: Uncertain significance for Hajdu-Cheney syndrome. Last evaluated: 2025-11-19. Review status: criteria provided, single submitter. Criteria: Invitae Variant Classification Sherloc (09022015). Collection method: clinical testing. Allele origin: germline.
Comment: This sequence change falls in intron 5 of the NOTCH2 gene. It does not directly change the encoded amino acid sequence of the NOTCH2 protein. It affects a nucleotide within the consensus splice site. This variant is present in population databases (rs372355805, gnomAD 0.01%). This variant has not been reported in the literature in individuals affected with NOTCH2-related conditions. ClinVar contains an entry for this variant (Variation ID: 3029848). Variants that disrupt the consensus splice site are a relatively common cause of aberrant splicing (PMID: 17576681, 9536098). Algorithms developed to predict the effect of sequence changes on RNA splicing suggest that this variant is not likely to affect RNA splicing. In summary, the available evidence is currently insufficient to determine the role of this variant in disease. Therefore, it has been classified as a Variant of Uncertain Significance.

Ambry Genetics
Classification: Uncertain significance for Inborn genetic diseases. Last evaluated: 2025-02-04. Review status: criteria provided, single submitter. Criteria: Ambry Variant Classification Scheme 2023. Collection method: clinical testing. Allele origin: germline.
Comment: The c.874+4T>C intronic alteration consists of a T to C substitution nucleotides after coding exon 5 in the NOTCH2 gene. Based on insufficient or conflicting evidence, the clinical significance of this alteration remains unclear.

PreventionGenetics, part of Exact Sciences
Classification: Likely benign for NOTCH2-related condition. Last evaluated: 2021-03-31. Review status: no assertion criteria provided. Collection method: clinical testing. Allele origin: germline. Not counted in ClinVar's aggregate classification.
Comment: This variant is classified as likely benign based on ACMG/AMP sequence variant interpretation guidelines (Richards et al. 2015 PMID: 25741868, with internal and published modifications).

Literature cited by the submitters: PubMed 17576681 (cited by Labcorp Genetics (formerly Invitae), Labcorp); PubMed 9536098 (cited by Labcorp Genetics (formerly Invitae), Labcorp).